The following is an entry in ClinVar:

NM_015311.3(OBSL1):c.1123C>T (p.Arg375Cys)

Gene: OBSL1 (obscurin like cytoskeletal adaptor 1; minus strand). Cytogenetic location: 2q35.
Variant type: single nucleotide variant.
Coding change: c.1123C>T on transcript NM_015311.3 (MANE Select); coding-DNA position 1123, C replaced by T.
Protein change: p.Arg375Cys; replaces arginine 375 with cysteine.
Molecular consequence: missense variant.
Genome position (GRCh38, 1-based): chr2:219,568,214, G>A on the plus strand (C>T on the coding strand, the complement: OBSL1 is on the minus strand). VCF-style: chr2-219568214-G-A. GRCh37 (hg19) VCF-style: chr2-220432936-G-A.
Other names: c.1123C>T, p.Arg375Cys (NM_001173408.2, NM_001173431.2); short protein forms R375C.
Identifiers: ClinVar variation 1422439 (VCV001422439.3), dbSNP rs546549598, ClinGen allele CA2131634.
Genomic context (GRCh38, chr2:219,568,214, plus strand): 5'-GGACAGTGCCCTCTTCGATCTGCTCGTACTTGCGGCAGGGCAGCAGCCGCTGGTCCTCAC[G>A]GAACCAGGCCGTGGGGATGCGGGAGTTGGGTACTTTACATTCCAGCACGGCAATCCCGTG-3'
Protein context (NP_056126.1, residues 365-385): PNSRIPTAWF[Arg375Cys]EDQRLLPCRK

ClinVar aggregate classification (germline): Uncertain significance (1 of 4 stars; one submission).

Allele frequency attached by ClinVar (database versions not stated): ExAC 0.00002; gnomAD exomes 0.00002; gnomAD 0.00010 and 0.00011; TOPMed 0.00013; 1000 Genomes Project 30x 0.00016; 1000 Genomes Project 0.00020.
gnomAD v4.1: 46 of 1,613,638 alleles (0.0029%); highest among the groups gnomAD compares: African/African-American, 0.043%; no homozygotes.

Submission:

Labcorp Genetics (formerly Invitae), Labcorp
Classification: Uncertain significance. Last evaluated: 2021-11-23. Review status: criteria provided, single submitter. Criteria: Invitae Variant Classification Sherloc (09022015). Collection method: clinical testing. Allele origin: germline.
Comment: This sequence change replaces arginine, which is basic and polar, with cysteine, which is neutral and slightly polar, at codon 375 of the OBSL1 protein (p.Arg375Cys). This variant is present in population databases (rs546549598, gnomAD 0.05%). This variant has not been reported in the literature in individuals affected with OBSL1-related conditions. Algorithms developed to predict the effect of missense changes on protein structure and function are either unavailable or do not agree on the potential impact of this missense change (SIFT: "Deleterious"; PolyPhen-2: "Probably Damaging"; Align-GVGD: "Class C0"). In summary, the available evidence is currently insufficient to determine the role of this variant in disease. Therefore, it has been classified as a Variant of Uncertain Significance.